The following is an entry in ClinVar:

ClinVar aggregate classification (germline): Benign/Likely benign. Review status: criteria provided, multiple submitters, no conflicts (2 of 4 stars). 24 submissions from 23 submitters: Benign (17); Likely benign (2). 5 of the submissions do not count toward it. Last evaluated 2026-02-04.

Conditions:
Cardiovascular phenotype. Identifiers: MedGen CN230736.
Hypobetalipoproteinemia. Identifiers: Orphanet 31154, MedGen C0020597, MONDO:0017774.
Familial hypercholesterolemia. Also called: Familial hypercholesterolaemia; Familial hypercholesterolemias. Identifiers: MedGen C0020445, MONDO:0005439.
Hypercholesterolemia, familial, 1. Also called: HYPERCHOLESTEROLEMIA, FAMILIAL, MODIFIER OF; LDL RECEPTOR DISORDER; Hyperlipoproteinemia Type IIa; HYPER-LOW-DENSITY-LIPOPROTEINEMIA; HYPERCHOLESTEROLEMIC XANTHOMATOSIS, FAMILIAL; Fredrickson type IIa hyperlipoproteinemia. Identifiers: Orphanet 391665, MedGen C0745103, MONDO:0007750, OMIM 143890.
Hypercholesterolemia, autosomal dominant, 3 (FHCL3). Also called: Familial hypercholesterolemia 3; PCSK9-Related Familial Hypercholesterolemia, Autosomal Dominant; Familial Hypercholesterolemia, Autosomal Dominant, 3. Identifiers: MedGen C1863551, MONDO:0011369, OMIM 603776.

Allele frequency attached by ClinVar (database versions not stated): ESP Exome Variant Server 0.09582; 1000 Genomes Project 0.09125; 1000 Genomes Project 30x 0.09057.
gnomAD v4.1: 201,410 of 1,578,058 alleles (13%); highest among the groups gnomAD compares: South Asian, 15%; 13,709 homozygotes.

Submissions (24):

Labcorp Genetics (formerly Invitae), Labcorp
Classification: Benign for Hypercholesterolemia, autosomal dominant, 3. Last evaluated: 2026-02-04. Review status: criteria provided, single submitter. Criteria: Invitae Variant Classification Sherloc (09022015). Collection method: clinical testing. Allele origin: germline.

ARUP Laboratories, Molecular Genetics and Genomics, ARUP Laboratories
Classification: Benign. Last evaluated: 2025-07-17. Review status: criteria provided, single submitter. Criteria: ARUP Molecular Germline Variant Investigation Process 2024. Collection method: clinical testing. Allele origin: germline.

Molecular Diagnostic Laboratory for Inherited Cardiovascular Disease, Montreal Heart Institute
Classification: Benign. Last evaluated: 2025-04-09. Review status: criteria provided, single submitter. Criteria: ACMG Guidelines, 2015. Collection method: clinical testing. Allele origin: germline. Affected: no.
Comment: BA1

Blueprint Genetics
Classification: Benign. Last evaluated: 2024-11-26. Review status: criteria provided, single submitter. Criteria: ACMG Guidelines, 2015. Collection method: clinical testing. Allele origin: germline.

All of Us Research Program, National Institutes of Health
Classification: Benign for Hypercholesterolemia, autosomal dominant, 3. Last evaluated: 2024-10-01. Review status: criteria provided, single submitter. Criteria: ACMG Guidelines, 2015. Collection method: clinical testing. Allele origin: germline. Inheritance: Autosomal dominant inheritance. Observed: 32,396 variant alleles, 30,118 heterozygotes, 2,271 homozygotes, 7 hemizygotes.
Comment: This study involves interpretation of variants in research participants for the purpose of population health screening. Participant phenotype was not available at the time of variant classification. Additional details can be found in publication PMID: 35346344, PMCID: PMC8962531

GENinCode PLC
Classification: Benign for Familial hypercholesterolemia. Last evaluated: 2022-07-01. Review status: criteria provided, single submitter. Criteria: ACMG Guidelines, 2015. Collection method: clinical testing. Allele origin: germline.

Fulgent Genetics
Classification: Benign for Hypercholesterolemia, autosomal dominant, 3. Last evaluated: 2021-09-28. Review status: criteria provided, single submitter. Criteria: ACMG Guidelines, 2015. Collection method: clinical testing. Allele origin: unknown.

Illumina Laboratory Services, Illumina
Classification: Benign for Hypobetalipoproteinemia. Last evaluated: 2018-08-16. Review status: criteria provided, single submitter. Criteria: ICSL Variant Classification Criteria 13 December 2019. Collection method: clinical testing. Allele origin: germline.
Comment: This variant was observed as part of a predisposition screen in an ostensibly healthy population. A literature search was performed for the gene, cDNA change, and amino acid change (where applicable). Publications were found based on this search. The evidence from the literature, in combination with allele frequency data from public databases where available, was sufficient to rule this variant out of causing disease. Therefore, this variant is classified as benign.

Color Diagnostics, LLC DBA Color Health
Classification: Benign for Familial hypercholesterolemia. Last evaluated: 2017-06-22. Review status: criteria provided, single submitter. Criteria: ACMG Guidelines, 2015. Collection method: clinical testing. Allele origin: germline.

Illumina Laboratory Services, Illumina
Classification: Likely benign for Hypercholesterolemia, autosomal dominant, 3. Last evaluated: 2017-04-27. Review status: criteria provided, single submitter. Criteria: ICSL Variant Classification Criteria 13 December 2019. Collection method: clinical testing. Allele origin: germline.
Comment: This variant was observed as part of a predisposition screen in an ostensibly healthy population. A literature search was performed for the gene, cDNA change, and amino acid change (where applicable). No publications were found based on this search. Allele frequency data from public databases allowed determination this variant is unlikely to cause disease. Therefore, this variant is classified as likely benign.

GeneDx
Classification: Benign. Last evaluated: 2016-09-30. Review status: criteria provided, single submitter. Criteria: GeneDx Variant Classification (06012015). Collection method: clinical testing. Allele origin: germline. Affected: yes.
Comment: This variant is considered likely benign or benign based on one or more of the following criteria: it is a conservative change, it occurs at a poorly conserved position in the protein, it is predicted to be benign by multiple in silico algorithms, and/or has population frequency not consistent with disease.

Genome Diagnostics Laboratory, University Medical Center Utrecht
Classification: Benign for Hypercholesterolemia, autosomal dominant, 3. Last evaluated: 2016-04-26. Review status: criteria provided, single submitter. Criteria: ACGS Guidelines, 2013. Collection method: clinical testing. Allele origin: germline. Affected: yes. Study: VKGL Data-share Consensus.

Cardiovascular Research Group, Instituto Nacional de Saude Doutor Ricardo Jorge
Classification: Benign for Familial hypercholesterolemia. Last evaluated: 2016-03-01. Review status: criteria provided, single submitter. Criteria: ACMG Guidelines, 2015. Collection method: research. Allele origin: germline. Affected: yes.
Comment: MAF = 7% in 100 subjects with average plasma cholesterol

Laboratory of Genetics and Molecular Cardiology, University of São Paulo
Classification: Benign for Familial hypercholesterolemia. Last evaluated: 2016-03-01. Review status: criteria provided, single submitter. Criteria: ACMG Guidelines, 2015. Collection method: research. Allele origin: germline. Study: HipercolBrasil.

Ambry Genetics
Classification: Benign for Cardiovascular phenotype. Last evaluated: 2015-12-14. Review status: criteria provided, single submitter. Criteria: Ambry Variant Classification Scheme 2023. Collection method: clinical testing. Allele origin: germline.

Mayo Clinic Laboratories, Mayo Clinic
Classification: Benign. Last evaluated: 2014-02-26. Review status: criteria provided, single submitter. Criteria: ACMG Guidelines, 2015. Collection method: clinical testing. Allele origin: germline. Observed: 312 variant alleles.

Women's Health and Genetics/Laboratory Corporation of America, LabCorp
Classification: Benign for Familial Hypercholesterolemia. Last evaluated: 2011-08-18. Review status: criteria provided, single submitter. Criteria: LabCorp Variant Classification Summary - May 2015. Collection method: clinical testing. Allele origin: not applicable. Inheritance: autosomal unknown.
ClinVar note: Converted during submission from benign to Benign.

Breakthrough Genomics
Classification: Likely benign. Review status: criteria provided, single submitter. Criteria: ACMG Guidelines, 2015. Collection method: not provided. Allele origin: germline. Inheritance: Autosomal dominant inheritance. Affected: yes.

PreventionGenetics, part of Exact Sciences
Classification: Benign. Review status: criteria provided, single submitter. Criteria: ACMG Guidelines, 2015. Collection method: clinical testing. Allele origin: germline.

Cohesion Phenomics
Classification: Benign for Familial hypercholesterolemia. Last evaluated: 2023-02-09. Review status: no assertion criteria provided. Criteria: ACMG Guidelines, 2015. Collection method: clinical testing. Allele origin: germline. Affected: yes. Not counted in ClinVar's aggregate classification.

Clinical Genetics, Academic Medical Center
Classification: Benign. Review status: no assertion criteria provided. Collection method: clinical testing. Allele origin: germline. Affected: yes. Study: VKGL Data-share Consensus. Not counted in ClinVar's aggregate classification.

Diagnostic Laboratory, Department of Genetics, University Medical Center Groningen
Classification: Benign for Hypercholesterolemia, autosomal dominant, 3. Review status: no assertion criteria provided. Collection method: clinical testing. Allele origin: germline. Affected: yes. Study: VKGL Data-share Consensus. Not counted in ClinVar's aggregate classification.

Laboratorium voor Moleculaire Diagnostiek Experimentele Vasculaire Geneeskunde, Academisch Medisch Centrum
Classification: Benign for Familial hypercholesterolemia. Review status: no assertion criteria provided. Collection method: research. Allele origin: germline. Not counted in ClinVar's aggregate classification.

Rajaie Cardiovascular, Medical and Research Center, Iran University of Medical Sciences
Classification: Pathogenic for Hypercholesterolemia, autosomal dominant, 3. Review status: no assertion criteria provided. Collection method: research. Allele origin: somatic. Inheritance: Autosomal dominant inheritance. Affected: yes. Observed: 1 variant allele, 1 homozygote. Not counted in ClinVar's aggregate classification.

Literature cited by the submitters: PubMed 12175777 (cited by Illumina Laboratory Services, Illumina); PubMed 26937405 (cited by Illumina Laboratory Services, Illumina); PubMed 28360401 (cited by Illumina Laboratory Services, Illumina); PubMed 11668641 (cited by Illumina Laboratory Services, Illumina); PubMed 28302345 (cited by Illumina Laboratory Services, Illumina); PubMed 23935525 (cited by Illumina Laboratory Services, Illumina); PubMed 12730697 (cited by Women's Health and Genetics/Laboratory Corporation of America, LabCorp).

NM_174936.4(PCSK9):c.158C>T (p.Ala53Val)

Gene: PCSK9 (proprotein convertase subtilisin/kexin type 9; plus strand). Cytogenetic location: 1p32.3.
Variant type: single nucleotide variant.
Coding change: c.158C>T on transcript NM_174936.4 (MANE Select); coding-DNA position 158, C replaced by T.
Protein change: p.Ala53Val; replaces alanine 53 with valine.
Molecular consequence: missense variant.
Genome position (GRCh38, 1-based): chr1:55,039,995, C>T. VCF-style: chr1-55039995-C-T. GRCh37 (hg19) VCF-style: chr1-55505668-C-T.
Other names: short protein forms A53V.
Identifiers: ClinVar variation 36669 (VCV000036669.47), dbSNP rs11583680, ClinGen allele CA023136.